The following is an entry in ClinVar:

ClinVar aggregate classification (germline): Uncertain significance (1 of 4 stars; one submission).

Conditions:
Hereditary cancer-predisposing syndrome. Also called: Hereditary Cancer Syndrome; Hereditary neoplastic syndrome; Neoplastic Syndromes, Hereditary; Tumor predisposition. Identifiers: Orphanet 140162, MedGen C0027672, MeSH D009386, MONDO:0015356.

Submission:

Ambry Genetics
Classification: Uncertain significance for Hereditary cancer-predisposing syndrome. Last evaluated: 2020-02-06. Review status: criteria provided, single submitter. Criteria: Ambry Variant Classification Scheme 2023. Collection method: clinical testing. Allele origin: germline.
Comment: The p.R312K variant (also known as c.935G>A), located in coding exon 4 of the MSH6 gene, results from a G to A substitution at nucleotide position 935. The arginine at codon 312 is replaced by lysine, an amino acid with highly similar properties. This amino acid position is not well conserved in available vertebrate species. In addition, this alteration is predicted to be tolerated by in silico analysis. Since supporting evidence is limited at this time, the clinical significance of this alteration remains unclear.

NM_000179.3(MSH6):c.935G>A (p.Arg312Lys)

Gene: MSH6 (mutS homolog 6; plus strand). Cytogenetic location: 2p16.3.
Variant type: single nucleotide variant.
Coding change: c.935G>A on transcript NM_000179.3 (MANE Select); coding-DNA position 935, G replaced by A.
Protein change: p.Arg312Lys; replaces arginine 312 with lysine.
Molecular consequence: missense variant.
Genome position (GRCh38, 1-based): chr2:47,798,918, G>A. VCF-style: chr2-47798918-G-A. GRCh37 (hg19) VCF-style: chr2-48026057-G-A.
Other names: c.29G>A, p.Arg10Lys (NM_001406815.1, NM_001406816.1, NM_001406823.1 and 6 more transcripts); c.935G>A, p.Arg312Lys (NM_001406817.1, NM_001406796.1, NM_001406798.1 and 4 more transcripts); c.638G>A, p.Arg213Lys (NM_001406818.1, NM_001406819.1, NM_001406822.1 and 10 more transcripts); c.767G>A, p.Arg256Lys (NM_001406826.1); c.545G>A, p.Arg182Lys (NM_001281492.2); c.1031G>A, p.Arg344Lys (NM_001406795.1, NM_001406802.1); c.410G>A, p.Arg137Lys (NM_001406799.1, NM_001406806.1, NM_001406807.1); c.857G>A, p.Arg286Lys (NM_001406804.1); and 1 more; short protein forms R314K, R10K, R256K, R344K, R213K, R312K, R137K, R182K.
Identifiers: ClinVar variation 1766677 (VCV001766677.2), dbSNP rs1669273799, ClinGen allele CA346740762.